The following is an entry in ClinVar:

NM_013275.6(ANKRD11):c.2146A>C (p.Lys716Gln)

Gene: ANKRD11 (ankyrin repeat domain containing 11; minus strand). Cytogenetic location: 16q24.3.
Variant type: single nucleotide variant.
Coding change: c.2146A>C on transcript NM_013275.6 (MANE Select); coding-DNA position 2146, A replaced by C.
Protein change: p.Lys716Gln; replaces lysine 716 with glutamine.
Molecular consequence: missense variant.
Genome position (GRCh38, 1-based): chr16:89,284,396, T>G on the plus strand (A>C on the coding strand, the complement: ANKRD11 is on the minus strand). VCF-style: chr16-89284396-T-G. GRCh37 (hg19) VCF-style: chr16-89350804-T-G.
Other names: c.2146A>C, p.Lys716Gln (NM_001256182.2, NM_001256183.2); short protein forms K716Q.
Identifiers: ClinVar variation 1314185 (VCV001314185.4), dbSNP rs2151761263, ClinGen allele CA397163082.
Genomic context (GRCh38, chr16:89,284,396, plus strand): 5'-TCTCTTCTCGGAAAGACCTGCTGATGTCTTTGTTTGTGTCTTTGATTCTCTTCAGTGATT[T>G]TTCATCTTTAAAGAGCCATTCTTTTTCTTCTAATTTCATTTTGCTAAGTTTCTCTTCTTT-3'
Protein context (NP_037407.4, residues 706-726): EEKEWLFKDE[Lys716Gln]SLKRIKDTNK

ClinVar aggregate classification (germline): Uncertain significance (1 of 4 stars; one submission).

Submission:

GeneDx
Classification: Uncertain significance. Last evaluated: 2023-01-13. Review status: criteria provided, single submitter. Criteria: GeneDx Variant Classification Process June 2021. Collection method: clinical testing. Allele origin: germline. Affected: yes.
Comment: Not observed in large population cohorts (gnomAD); In silico analysis supports that this missense variant does not alter protein structure/function; Has not been previously published as pathogenic or benign to our knowledge